The following is an entry in ClinVar:

NM_006623.4(PHGDH):c.643+1G>A

Gene: PHGDH (phosphoglycerate dehydrogenase; plus strand). Cytogenetic location: 1p12.
Variant type: single nucleotide variant.
Coding change: c.643+1G>A on transcript NM_006623.4 (MANE Select); the canonical splice donor site of the intron after coding-DNA position 643, G replaced by A.
Molecular consequence: splice donor variant.
Genome position (GRCh38, 1-based): chr1:119,734,767, G>A. VCF-style: chr1-119734767-G-A. GRCh37 (hg19) VCF-style: chr1-120277390-G-A.
Identifiers: ClinVar variation 2038670 (VCV002038670.6), dbSNP rs149128100, ClinGen allele CA1037160.

ClinVar aggregate classification (germline): Likely pathogenic. Review status: criteria provided, multiple submitters, no conflicts (2 of 4 stars). 3 submissions from 3 submitters: Likely pathogenic (3). Last evaluated 2024-02-07.

Conditions:
PHGDH deficiency. Identifiers: Orphanet 79351, MedGen C1866174, MONDO:0011152, OMIM 601815.
Neu-Laxova syndrome 1 (NLS1). Identifiers: Orphanet 2671, Orphanet 583607, MedGen C4551478, MONDO:0009736, OMIM 256520. Disease mechanism: loss of function.

Allele frequency attached by ClinVar (database versions not stated): ExAC 0.00001; gnomAD 0.00001; TOPMed 0.00002; ESP Exome Variant Server 0.00008.
gnomAD v4.1: 1 of 1,613,966 alleles (0.000062%); highest among the groups gnomAD compares: African/African-American, 0.0013%; no homozygotes.

Submissions (3):

Fulgent Genetics
Classification: Likely pathogenic for Neu-Laxova syndrome 1; PHGDH deficiency. Last evaluated: 2024-02-07. Review status: criteria provided, single submitter. Criteria: ACMG Guidelines, 2015. Collection method: clinical testing. Allele origin: germline.

Women's Health and Genetics/Laboratory Corporation of America, LabCorp
Classification: Likely pathogenic for PHGDH deficiency. Last evaluated: 2023-12-13. Review status: criteria provided, single submitter. Criteria: LabCorp Variant Classification Summary - May 2015. Collection method: clinical testing. Allele origin: germline.
Comment: Variant summary: PHGDH c.643+1G>A is located in a canonical splice-site and is predicted to affect mRNA splicing resulting in a significantly altered protein due to either exon skipping, shortening, or inclusion of intronic material. Several computational tools predict a significant impact on normal splicing: Four predict the variant abolishes the canonical 5' splicing donor site. However, these predictions have yet to be confirmed by functional studies. The variant was absent in 251416 control chromosomes (gnomAD). To our knowledge, no occurrence of c.643+1G>A in individuals affected with Phosphoglycerate Dehydrogenase Deficiency and no experimental evidence demonstrating its impact on protein function have been reported. One submitter has cited a clinical-significance assessment for this variant to ClinVar after 2014 and has classified the variant as likely pathogenic. Based on the evidence outlined above, the variant was classified as likely pathogenic.

Labcorp Genetics (formerly Invitae), Labcorp
Classification: Likely pathogenic for PHGDH deficiency. Last evaluated: 2023-08-20. Review status: criteria provided, single submitter. Criteria: Invitae Variant Classification Sherloc (09022015). Collection method: clinical testing. Allele origin: germline.
Comment: Algorithms developed to predict the effect of sequence changes on RNA splicing suggest that this variant may disrupt the consensus splice site. In summary, the currently available evidence indicates that the variant is pathogenic, but additional data are needed to prove that conclusively. Therefore, this variant has been classified as Likely Pathogenic. ClinVar contains an entry for this variant (Variation ID: 2038670). This variant has not been reported in the literature in individuals affected with PHGDH-related conditions. This variant is not present in population databases (gnomAD no frequency). This sequence change affects a donor splice site in intron 6 of the PHGDH gene. It is expected to disrupt RNA splicing. Variants that disrupt the donor or acceptor splice site typically lead to a loss of protein function (PMID: 16199547), and loss-of-function variants in PHGDH are known to be pathogenic (PMID: 14645240, 24836451).

Literature cited by the submitters: PubMed 16199547 (cited by Labcorp Genetics (formerly Invitae), Labcorp); PubMed 14645240 (cited by Labcorp Genetics (formerly Invitae), Labcorp); PubMed 24836451 (cited by Labcorp Genetics (formerly Invitae), Labcorp).